The following is an entry in ClinVar:

NM_014208.3(DSPP):c.3047G>T (p.Ser1016Ile)

Genes: DMP1-AS1 (DMP1 and DSPP antisense RNA 1; minus strand), DSPP (dentin sialophosphoprotein; plus strand). Cytogenetic location: 4q22.1.
Variant type: single nucleotide variant.
Coding change: c.3047G>T on transcript NM_014208.3 (MANE Select); coding-DNA position 3047, G replaced by T.
Protein change: p.Ser1016Ile; replaces serine 1016 with isoleucine.
Molecular consequence: missense variant.
Genome position (GRCh38, 1-based): chr4:87,615,709, G>T. VCF-style: chr4-87615709-G-T. GRCh37 (hg19) VCF-style: chr4-88536861-G-T.
Other names: short protein forms S1016I.
Identifiers: ClinVar variation 3069080 (VCV003069080.2), dbSNP rs890929856, ClinGen allele CA100855637.

ClinVar aggregate classification (germline): Uncertain significance (1 of 4 stars; one submission).

Allele frequency attached by ClinVar (database versions not stated): gnomAD exomes below 0.00001.
gnomAD v4.1: 4 of 1,527,162 alleles (0.00026%); highest among the groups gnomAD compares: Non-Finnish European, 0.00035%; no homozygotes.

Submission:

Women's Health and Genetics/Laboratory Corporation of America, LabCorp
Classification: Uncertain significance. Last evaluated: 2024-02-14. Review status: criteria provided, single submitter. Criteria: LabCorp Variant Classification Summary - May 2015. Collection method: clinical testing. Allele origin: germline.
Comment: Variant summary: DSPP c.3047G>T (p.Ser1016Ile) results in a non-conservative amino acid change in the encoded protein sequence. Three of five in-silico tools predict a damaging effect of the variant on protein function. The frequency data for this variant in gnomAD is considered unreliable, as metrics indicate poor data quality at this position. To our knowledge, no occurrence of c.3047G>T in individuals affected with Dentinogenesis Imperfecta Type 2 and no experimental evidence demonstrating its impact on protein function have been reported. No submitters have cited clinical-significance assessments for this variant to ClinVar. Based on the evidence outlined above, the variant was classified as uncertain significance.